The following is an entry in ClinVar:

ClinVar aggregate classification (germline): Uncertain significance. Review status: criteria provided, multiple submitters, no conflicts (2 of 4 stars). 2 submissions from 2 submitters: Uncertain significance (2). Last evaluated 2025-02-08.

Conditions:
Hereditary cancer-predisposing syndrome. Also called: Tumor predisposition; Hereditary neoplastic syndrome; Hereditary Cancer Syndrome; Neoplastic Syndromes, Hereditary. Identifiers: Orphanet 140162, MedGen C0027672, MeSH D009386, MONDO:0015356.
Familial cancer of breast. Also called: BREAST CANCER, FAMILIAL; Hereditary breast cancer; hereditary breast carcinoma. Identifiers: Orphanet 227535, MedGen C0346153, MONDO:0016419, OMIM 114480. Disease mechanism: loss of function.
Fanconi anemia complementation group J. Also called: BRIP1-Related Fanconi Anemia. Identifiers: Orphanet 84, MedGen C1836860, MONDO:0012187, OMIM 609054.

Allele frequency attached by ClinVar (database versions not stated): gnomAD 0.00001.
gnomAD v4.1: 1 of 1,609,318 alleles (0.000062%); highest among the groups gnomAD compares: South Asian, 0.0011%; no homozygotes.

Submissions (2):

Ambry Genetics
Classification: Uncertain significance for Hereditary cancer-predisposing syndrome. Last evaluated: 2025-02-08. Review status: criteria provided, single submitter. Criteria: Ambry Variant Classification Scheme 2023. Collection method: clinical testing. Allele origin: germline.
Comment: The p.K966R variant (also known as c.2897A>G), located in coding exon 18 of the BRIP1 gene, results from an A to G substitution at nucleotide position 2897. The lysine at codon 966 is replaced by arginine, an amino acid with highly similar properties. This amino acid position is conserved. In addition, this alteration is predicted to be tolerated by in silico analysis. Based on the available evidence, the clinical significance of this variant remains unclear.

Labcorp Genetics (formerly Invitae), Labcorp
Classification: Uncertain significance for Familial cancer of breast; Fanconi anemia complementation group J. Last evaluated: 2021-12-26. Review status: criteria provided, single submitter. Criteria: Invitae Variant Classification Sherloc (09022015). Collection method: clinical testing. Allele origin: germline.
Comment: This sequence change replaces lysine, which is basic and polar, with arginine, which is basic and polar, at codon 966 of the BRIP1 protein (p.Lys966Arg). This variant is not present in population databases (gnomAD no frequency). This variant has not been reported in the literature in individuals affected with BRIP1-related conditions. Algorithms developed to predict the effect of missense changes on protein structure and function output the following: SIFT: "Tolerated"; PolyPhen-2: "Benign"; Align-GVGD: "Class C0". The arginine amino acid residue is found in multiple mammalian species, which suggests that this missense change does not adversely affect protein function. In summary, the available evidence is currently insufficient to determine the role of this variant in disease. Therefore, it has been classified as a Variant of Uncertain Significance.

NM_032043.3(BRIP1):c.2897A>G (p.Lys966Arg)

Gene: BRIP1 (BRCA1 interacting DNA helicase 1; minus strand). Cytogenetic location: 17q23.2.
Variant type: single nucleotide variant.
Coding change: c.2897A>G on transcript NM_032043.3 (MANE Select); coding-DNA position 2897, A replaced by G.
Protein change: p.Lys966Arg; replaces lysine 966 with arginine.
Molecular consequence: missense variant.
Genome position (GRCh38, 1-based): chr17:61,685,844, T>C on the plus strand (A>G on the coding strand, the complement: BRIP1 is on the minus strand). VCF-style: chr17-61685844-T-C. GRCh37 (hg19) VCF-style: chr17-59763205-T-C.
Other names: short protein forms K966R.
Identifiers: ClinVar variation 1962873 (VCV001962873.6), dbSNP rs2061351855, ClinGen allele CA400481130.
Genomic context (GRCh38, chr17:61,685,844, plus strand): 5'-AATATAATGAAAGACTTCTCTATCAAAGGTAAATGGGAAGAACTTTTCATACTTTTCTCC[T>C]TTCTGGAGATAATGCTACTTGGTAGAGGTGAATTTTTGGTAATAATTTTAGGACACTGTA-3'
Protein context (NP_114432.2, residues 956-976): SPLPSSIISR[Lys966Arg]EKNDPVFLEE